The following is an entry in ClinVar:

ClinVar aggregate classification (germline): Pathogenic. Review status: criteria provided, multiple submitters, no conflicts (2 of 4 stars). 4 submissions from 4 submitters: Pathogenic (3). 1 of the submissions does not count toward it. Last evaluated 2026-01-22.

Conditions:
Malignant hyperthermia, susceptibility to, 1 (MHS1). Also called: RYR1-Related Malignant Hyperthermia Susceptibility; Malignant hyperthermia suceptibility 1; Anesthesia related hyperthermia; Malignant hyperpyrexia; Fulminating hyperpyrexia; Pharmacogenic myopathy. Identifiers: Orphanet 423, MedGen C2930980, MONDO:0007783, OMIM 145600.
Congenital myopathy with fiber type disproportion. Also called: Congenital fiber-type disproportion; Congenital fiber-type disproportion myopathy. Identifiers: Orphanet 2020, MedGen C0546264, MONDO:0009711. Inheritance: all.
Central core myopathy (CMYO1A). Also called: Central core disease; Myopathy, central fibrillar; CONGENITAL MYOPATHY 1A, AUTOSOMAL DOMINANT, WITH SUSCEPTIBILITY TO MALIGNANT HYPERTHERMIA. Identifiers: Orphanet 597, MedGen C5830701, MONDO:0007294, OMIM 117000.
Congenital multicore myopathy with external ophthalmoplegia (CMYO1B). Also called: MULTIMINICORE DISEASE WITH EXTERNAL OPHTHALMOPLEGIA; Minicore myopathy with external ophthalmoplegia; MULTICORE MYOPATHY; Congenital myopathy 1B, autosomal recessive; Minicore myopathy. Identifiers: Orphanet 598, Orphanet 98905, MedGen C1850674, MONDO:0009712, OMIM 255320, HP:0003789.
King Denborough syndrome (KDS). Identifiers: MedGen C1840365, MONDO:0020485, OMIM 619542.
RYR1-related disorder. Also called: RYR1-related disorders; RYR1-related condition. Identifiers: MedGen CN239331.

Allele frequency attached by ClinVar (database versions not stated): gnomAD 0.00001; TOPMed 0.00001.
gnomAD v4.1: 1 of 1,614,020 alleles (0.000062%); highest among the groups gnomAD compares: Non-Finnish European, 0.000085%; no homozygotes.

Submissions (4):

Labcorp Genetics (formerly Invitae), Labcorp
Classification: Pathogenic for RYR1-related disorder. Last evaluated: 2026-01-22. Review status: criteria provided, single submitter. Criteria: Invitae Variant Classification Sherloc (09022015). Collection method: clinical testing. Allele origin: germline.
Comment: This sequence change affects an acceptor splice site in intron 96 of the RYR1 gene. It is expected to disrupt RNA splicing. Variants that disrupt the donor or acceptor splice site typically lead to a loss of protein function (PMID: 16199547), and loss-of-function variants in RYR1 are known to be pathogenic (PMID: 23919265, 25960145, 28818389, 30611313). This variant is not present in population databases (gnomAD no frequency). Disruption of this splice site has been observed in individual(s) with clinical features of autosomal recessive RYR1-related conditions (PMID: 24961629). It has also been observed to segregate with disease in related individuals. ClinVar contains an entry for this variant (Variation ID: 1454292). Algorithms developed to predict the effect of sequence changes on RNA splicing suggest that this variant may disrupt the consensus splice site. For these reasons, this variant has been classified as Pathogenic.

GeneDx
Classification: Pathogenic. Last evaluated: 2023-11-15. Review status: criteria provided, single submitter. Criteria: GeneDx Variant Classification Process June 2021. Collection method: clinical testing. Allele origin: germline. Affected: yes.
Comment: Canonical splice site variant predicted to result in a null allele in a gene for which loss of function is a known mechanism of disease; Not observed at significant frequency in large population cohorts (gnomAD); This variant is associated with the following publications: (PMID: 29096039, 24961629)

Fulgent Genetics
Classification: Pathogenic for Central core myopathy; Malignant hyperthermia, susceptibility to, 1; Congenital myopathy 4A, autosomal dominant; Congenital multicore myopathy with external ophthalmoplegia; King Denborough syndrome. Last evaluated: 2021-11-12. Review status: criteria provided, single submitter. Criteria: ACMG Guidelines, 2015. Collection method: clinical testing. Allele origin: unknown.

All of Us Research Program, National Institutes of Health
Classification: Uncertain significance for Malignant hyperthermia, susceptibility to, 1. Last evaluated: 2024-07-10. Review status: flagged submission. Criteria: ACMG Guidelines, 2015. Collection method: clinical testing. Allele origin: germline. Inheritance: Autosomal dominant inheritance. Observed: 2 variant alleles, 2 heterozygotes. Not counted in ClinVar's aggregate classification.
Comment: This variant causes an A to G nucleotide substitution at the -2 position of intron 96 of the RYR1 gene. Splice site prediction tools suggest that this variant may have a significant impact on RNA splicing. Although this prediction has not been confirmed in published RNA studies, this variant is expected to result in an absent or disrupted protein product. This variant has not been reported in individuals affected with autosomal dominant malignant hyperthermia in the literature, although it is associated with other phenotype(s) (ClinVar Variation ID: 1454292). Loss of RYR1 function due to haploinsufficiency is not an established disease mechanism for autosomal dominant malignant hyperthermia. This variant has not been identified in the general population by the Genome Aggregation Database (gnomAD). Due to insufficient evidence, this variant is classified as a Variant of Uncertain Significance for autosomal dominant malignant hyperthermia.

This study involves interpretation of variants in research participants for the purpose of population health screening. Participant phenotype was not available at the time of variant classification. Additional details can be found in publication PMID: 35346344, PMCID: PMC8962531
ClinVar note: Reason: Outlier claim with insufficient supporting evidence

Literature cited by the submitters: PubMed 16199547 (cited by Labcorp Genetics (formerly Invitae), Labcorp); PubMed 23919265 (cited by Labcorp Genetics (formerly Invitae), Labcorp); PubMed 25960145 (cited by Labcorp Genetics (formerly Invitae), Labcorp); PubMed 28818389 (cited by Labcorp Genetics (formerly Invitae), Labcorp); PubMed 30611313 (cited by Labcorp Genetics (formerly Invitae), Labcorp); PubMed 24961629 (cited by Labcorp Genetics (formerly Invitae), Labcorp).

NM_000540.3(RYR1):c.14130-2A>G

Gene: RYR1 (ryanodine receptor 1; plus strand). Cytogenetic location: 19q13.2.
Variant type: single nucleotide variant.
Coding change: c.14130-2A>G on transcript NM_000540.3 (MANE Select); the canonical splice acceptor site of the intron before coding-DNA position 14130, A replaced by G.
Molecular consequence: splice acceptor variant.
Genome position (GRCh38, 1-based): chr19:38,575,917, A>G. VCF-style: chr19-38575917-A-G. GRCh37 (hg19) VCF-style: chr19-39066557-A-G.
Other names: c.14115-2A>G (NM_001042723.2).
Identifiers: ClinVar variation 1454292 (VCV001454292.11), dbSNP rs1457662393, ClinGen allele CA405683232.